The following is an entry in ClinVar:

NM_014978.3(SORCS3):c.1980G>A (p.Val660=)

Gene: SORCS3 (sortilin related VPS10 domain containing receptor 3; plus strand). Cytogenetic location: 10q25.1.
Variant type: single nucleotide variant.
Coding change: c.1980G>A on transcript NM_014978.3 (MANE Select); coding-DNA position 1980, G replaced by A.
Protein change: p.Val660=; no amino-acid change (valine 660 retained).
Molecular consequence: synonymous variant.
Genome position (GRCh38, 1-based): chr10:105,178,144, G>A. VCF-style: chr10-105178144-G-A. GRCh37 (hg19) VCF-style: chr10-106937902-G-A.
Identifiers: ClinVar variation 2640818 (VCV002640818.24), dbSNP rs2056419594, ClinGen allele CA471353596.

ClinVar aggregate classification (germline): Likely benign (1 of 4 stars; one submission).

Allele frequency attached by ClinVar (database versions not stated): gnomAD 0.00001.
gnomAD v4.1: 1 of 1,613,364 alleles (0.000062%); highest among the groups gnomAD compares: South Asian, 0.0011%; no homozygotes.

Submission:

CeGaT Center for Human Genetics Tuebingen
Classification: Likely benign. Last evaluated: 2023-10-01. Review status: criteria provided, single submitter. Criteria: CeGaT Center For Human Genetics Tuebingen Variant Classification Criteria Version 2. Collection method: clinical testing. Allele origin: germline. Affected: yes. Observed: 1 variant allele.
Comment: SORCS3: BP7